The following is an entry in ClinVar:

ClinVar aggregate classification (germline): Uncertain significance (1 of 4 stars; one submission).

Submission:

GeneDx
Classification: Uncertain significance. Last evaluated: 2024-12-26. Review status: criteria provided, single submitter. Criteria: GeneDx Variant Classification Process June 2021. Collection method: clinical testing. Allele origin: germline. Affected: yes.
Comment: Not observed at significant frequency in large population cohorts (gnomAD); In silico analysis supports that this missense variant has a deleterious effect on protein structure/function; Has not been previously published as pathogenic or benign to our knowledge

NM_001080421.3(UNC13A):c.1800C>G (p.Asn600Lys)

Gene: UNC13A (unc-13 homolog A; minus strand). Cytogenetic location: 19p13.11.
Variant type: single nucleotide variant.
Coding change: c.1800C>G on transcript NM_001080421.3 (MANE Select); coding-DNA position 1800, C replaced by G.
Protein change: p.Asn600Lys; replaces asparagine 600 with lysine.
Molecular consequence: missense variant.
Genome position (GRCh38, 1-based): chr19:17,648,447, G>C on the plus strand (C>G on the coding strand, the complement: UNC13A is on the minus strand). VCF-style: chr19-17648447-G-C. GRCh37 (hg19) VCF-style: chr19-17759256-G-C.
Other names: c.1794C>G, p.Asn598Lys (NM_001387021.1, NM_001387022.1, NM_001387023.1); short protein forms N598K, N600K.
Identifiers: ClinVar variation 3907969 (VCV003907969.1).